The following is an entry in ClinVar:

ClinVar aggregate classification (germline): Benign/Likely benign. Review status: criteria provided, multiple submitters, no conflicts (2 of 4 stars). 3 submissions from 3 submitters: Benign (1); Likely benign (2). Last evaluated 2023-07-01.

Allele frequency attached by ClinVar (database versions not stated): 1000 Genomes Project 0.00459; TOPMed 0.00661; gnomAD 0.00721 and 0.00730; 1000 Genomes Project 30x 0.00437.

Submissions (3):

CeGaT Center for Human Genetics Tuebingen
Classification: Benign. Last evaluated: 2023-07-01. Review status: criteria provided, single submitter. Criteria: CeGaT Center For Human Genetics Tuebingen Variant Classification Criteria Version 2. Collection method: clinical testing. Allele origin: germline. Affected: yes. Observed: 6 variant alleles.
Comment: SGCA: BS1, BS2

GeneDx
Classification: Likely benign. Last evaluated: 2018-06-26. Review status: criteria provided, single submitter. Criteria: GeneDx Variant Classification Process June 2021. Collection method: clinical testing. Allele origin: germline. Affected: yes.

Breakthrough Genomics
Classification: Likely benign. Review status: criteria provided, single submitter. Criteria: ACMG Guidelines, 2015. Collection method: not provided. Allele origin: germline. Inheritance: Autosomal recessive inheritance. Affected: yes.

NC_000017.11:g.50165951C>A

Gene: SGCA (sarcoglycan alpha; plus strand). Cytogenetic location: 17q21.33.
Variant type: single nucleotide variant.
Genome position: GRCh38 VCF-style: chr17-50165951-C-A. GRCh37 (hg19) VCF-style: chr17-48243312-C-A.
Identifiers: ClinVar variation 1179547 (VCV001179547.32), dbSNP rs75145501, ClinGen allele CA14405647.
Genomic context (GRCh38, chr17:50,165,951, plus strand): 5'-AGGGTGTCTATCCCAGATTTGGTGCATGCTCCAGGCGGGGAGGGGAGGCTGACGCTGGGA[C>A]CCAGCTGCCCCGAGCCACCTCCCTCCTTCCCTCCTCTCCTCCCTGCCCCCTGTCTCTGTC-3'